The following is an entry in ClinVar:

NM_001376.5(DYNC1H1):c.1650G>A (p.Met550Ile)

Gene: DYNC1H1 (dynein cytoplasmic 1 heavy chain 1; plus strand). Cytogenetic location: 14q32.31.
Variant type: single nucleotide variant.
Coding change: c.1650G>A on transcript NM_001376.5 (MANE Select); coding-DNA position 1650, G replaced by A.
Protein change: p.Met550Ile; replaces methionine 550 with isoleucine.
Molecular consequence: missense variant.
Genome position (GRCh38, 1-based): chr14:101,985,875, G>A. VCF-style: chr14-101985875-G-A. GRCh37 (hg19) VCF-style: chr14-102452212-G-A.
Other names: short protein forms M550I.
Identifiers: ClinVar variation 1037384 (VCV001037384.9), dbSNP rs1469299067, ClinGen allele CA391018860.
Genomic context (GRCh38, chr14:101,985,875, plus strand): 5'-CAAGGAAGTGGATGGACTGGATGTTTCCAAAGAGGGCACGGAAGCCTGGGAGGCTGCTAT[G>A]AAGAGGTACGATGAGAGGATCGACAGAGTGGAGACCCGGATCACCGCTCGCCTTCGGGAT-3'
Protein context (NP_001367.2, residues 540-560): KEGTEAWEAA[Met550Ile]KRYDERIDRV

ClinVar aggregate classification (germline): Uncertain significance (1 of 4 stars; one submission).

Conditions:
Charcot-Marie-Tooth disease axonal type 2O. Also called: CHARCOT-MARIE-TOOTH NEUROPATHY, AXONAL, TYPE 2O; CHARCOT-MARIE-TOOTH DISEASE, AXONAL, AUTOSOMAL DOMINANT, TYPE 2O; Charcot-Marie-Tooth disease, axonal, type 20; Charcot-Marie-Tooth Neuropathy Type 2O. Identifiers: Orphanet 284232, MedGen C3280220, MONDO:0013644, OMIM 614228.

Allele frequency attached by ClinVar (database versions not stated): gnomAD exomes below 0.00001; TOPMed below 0.00001; gnomAD 0.00001.

Submission:

Labcorp Genetics (formerly Invitae), Labcorp
Classification: Uncertain significance for Charcot-Marie-Tooth disease axonal type 2O. Last evaluated: 2025-01-14. Review status: criteria provided, single submitter. Criteria: Invitae Variant Classification Sherloc (09022015). Collection method: clinical testing. Allele origin: germline.
Comment: This sequence change replaces methionine, which is neutral and non-polar, with isoleucine, which is neutral and non-polar, at codon 550 of the DYNC1H1 protein (p.Met550Ile). This variant is not present in population databases (gnomAD no frequency). This variant has not been reported in the literature in individuals affected with DYNC1H1-related conditions. ClinVar contains an entry for this variant (Variation ID: 1037384). Invitae Evidence Modeling of protein sequence and biophysical properties (such as structural, functional, and spatial information, amino acid conservation, physicochemical variation, residue mobility, and thermodynamic stability) indicates that this missense variant is not expected to disrupt DYNC1H1 protein function with a negative predictive value of 95%. In summary, the available evidence is currently insufficient to determine the role of this variant in disease. Therefore, it has been classified as a Variant of Uncertain Significance.